The following is an entry in ClinVar:

NM_020680.4(SCYL1):c.51C>T (p.Ile17=)

Genes: SCYL1 (SCY1 like pseudokinase 1; plus strand), LOC130006026 (ATAC-STARR-seq lymphoblastoid silent region 3529; plus strand). Cytogenetic location: 11q13.1.
Variant type: single nucleotide variant.
Coding change: c.51C>T on transcript NM_020680.4 (MANE Select); coding-DNA position 51, C replaced by T.
Protein change: p.Ile17=; no amino-acid change (isoleucine 17 retained).
Molecular consequence: synonymous variant.
Genome position (GRCh38, 1-based): chr11:65,525,204, C>T. VCF-style: chr11-65525204-C-T. GRCh37 (hg19) VCF-style: chr11-65292675-C-T.
Other names: c.51C>T, p.Ile17= (NM_001048218.2, NM_001411022.1).
Identifiers: ClinVar variation 3038750 (VCV003038750.2), dbSNP rs924194619, ClinGen allele CA223996206.

ClinVar aggregate classification (germline): Likely benign (0 of 4 stars; one submission).

Conditions:
SCYL1-related disorder. Also called: SCYL1-related condition.

Allele frequency attached by ClinVar (database versions not stated): gnomAD 0.00001; gnomAD exomes 0.00001; TOPMed 0.00001.

Submission:

PreventionGenetics, part of Exact Sciences
Classification: Likely benign for SCYL1-related condition. Last evaluated: 2019-05-28. Review status: no assertion criteria provided. Collection method: clinical testing. Allele origin: germline.
Comment: This variant is classified as likely benign based on ACMG/AMP sequence variant interpretation guidelines (Richards et al. 2015 PMID: 25741868, with internal and published modifications).